The following is an entry in ClinVar:

NM_000443.4(ABCB4):c.44C>A (p.Thr15Lys)

Genes: ABCB4 (ATP binding cassette subfamily B member 4; minus strand), LOC129998756 (ATAC-STARR-seq lymphoblastoid silent region 18347; plus strand). Cytogenetic location: 7q21.12.
Variant type: single nucleotide variant.
Coding change: c.44C>A on transcript NM_000443.4 (MANE Select); coding-DNA position 44, C replaced by A.
Protein change: p.Thr15Lys; replaces threonine 15 with lysine.
Molecular consequence: missense variant.
Genome position (GRCh38, 1-based): chr7:87,475,422, G>T on the plus strand (C>A on the coding strand, the complement: ABCB4 is on the minus strand). VCF-style: chr7-87475422-G-T. GRCh37 (hg19) VCF-style: chr7-87104738-G-T.
Other names: c.44C>A, p.Thr15Lys (NM_018849.3, NM_018850.3); short protein forms T15K.
Identifiers: ClinVar variation 4846632 (VCV004846632.1).

ClinVar aggregate classification (germline): Uncertain significance (1 of 4 stars; one submission).

Conditions:
Familial intrahepatic cholestasis. Identifiers: Orphanet 284385, MedGen CN296401, MONDO:0017290.
Low phospholipid associated cholelithiasis (GBD1). Also called: Gallbladder disease 1; Gallstone cholecystitis. Identifiers: Orphanet 69663, MedGen C2609268, MONDO:0010939, OMIM 600803.

gnomAD v4.1: 38 of 1,614,108 alleles (0.0024%); highest among the groups gnomAD compares: Non-Finnish European, 0.0031%; no homozygotes.

Submission:

Genomenon, Inc
Classification: Uncertain significance for Familial intrahepatic cholestasis; Low phospholipid associated cholelithiasis. Last evaluated: 2026-04-14. Review status: criteria provided, single submitter. Criteria: Genomenon Sequence Variant Interpretation Standards - Updated. Collection method: curation. Allele origin: germline. Affected: no.
Comment: ABCB4 p.Thr15Lys (c.44C>A) is a missense variant that changes the amino acid at residue 15 from Threonine to Lysine. This variant has been reported in the published literature (PMID:38374565). It is absent or not present at a significant frequency in gnomAD. In silico models predict that this variant is not damaging. In conclusion, we classify ABCB4 p.Thr15Lys (c.44C>A) as a variant of uncertain significance.

Literature cited by the submitters: PubMed 38374565.